The following is an entry in ClinVar:

NC_000012.11:g.(?_57640567)_(57642001_?)del

Gene: STAC3 (SH3 and cysteine rich domain 3; minus strand). Cytogenetic location: 12q13.3.
Variant type: Deletion.
Identifiers: ClinVar variation 1441726 (VCV001441726.7).

ClinVar aggregate classification (germline): Uncertain significance (1 of 4 stars; one submission).

Conditions:
Bailey-Bloch congenital myopathy (CMYO13). Also called: STAC3 disorder; Congenital myopathy 13; Native American myopathy. Identifiers: Orphanet 168572, MedGen C1850625, MONDO:0009722, OMIM 255995.

Submission:

Labcorp Genetics (formerly Invitae), Labcorp
Classification: Uncertain significance for Bailey-Bloch congenital myopathy. Last evaluated: 2021-10-15. Review status: criteria provided, single submitter. Criteria: Invitae Variant Classification Sherloc (09022015). Collection method: clinical testing. Allele origin: germline.
Comment: In summary, the available evidence is currently insufficient to determine the role of this variant in disease. Therefore, it has been classified as a Variant of Uncertain Significance. This variant has not been reported in the literature in individuals affected with STAC3-related conditions. This variant is a gross deletion of the genomic region encompassing exon(s) 5-6 of the STAC3 gene. This variant would be expected to be in-frame, preserving the integrity of the reading frame.